The following is an entry in ClinVar:

ClinVar aggregate classification (germline): Uncertain significance (1 of 4 stars; one submission).

Conditions:
Hereditary cancer-predisposing syndrome. Also called: Neoplastic Syndromes, Hereditary; Tumor predisposition; Hereditary neoplastic syndrome; Hereditary Cancer Syndrome. Identifiers: Orphanet 140162, MedGen C0027672, MeSH D009386, MONDO:0015356.

Submission:

Ambry Genetics
Classification: Uncertain significance for Hereditary cancer-predisposing syndrome. Last evaluated: 2023-02-23. Review status: criteria provided, single submitter. Criteria: Ambry Variant Classification Scheme 2023. Collection method: clinical testing. Allele origin: germline.
Comment: The p.S1614T variant (also known as c.4841G>C), located in coding exon 29 of the ALK gene, results from a G to C substitution at nucleotide position 4841. The serine at codon 1614 is replaced by threonine, an amino acid with similar properties. This amino acid position is conserved. In addition, this alteration is predicted to be tolerated by in silico analysis. Since supporting evidence is limited at this time, the clinical significance of this alteration remains unclear.

NM_004304.5(ALK):c.4841G>C (p.Ser1614Thr)

Gene: ALK (ALK receptor tyrosine kinase; minus strand). Cytogenetic location: 2p23.2.
Variant type: single nucleotide variant.
Coding change: c.4841G>C on transcript NM_004304.5 (MANE Select); coding-DNA position 4841, G replaced by C.
Protein change: p.Ser1614Thr; replaces serine 1614 with threonine.
Molecular consequence: missense variant.
Genome position (GRCh38, 1-based): chr2:29,193,246, C>G on the plus strand (G>C on the coding strand, the complement: ALK is on the minus strand). VCF-style: chr2-29193246-C-G. GRCh37 (hg19) VCF-style: chr2-29416112-C-G.
Other names: c.1637G>C, p.Ser546Thr (NM_001353765.2); short protein forms S546T, S1614T.
Identifiers: ClinVar variation 2452134 (VCV002452134.2), dbSNP rs2148136939, ClinGen allele CA346460037.